The following is an entry in ClinVar:

NM_016648.4(LARP7):c.298dup (p.Val100fs)

Gene: LARP7 (La ribonucleoprotein 7, transcriptional regulator; plus strand). Cytogenetic location: 4q25.
Variant type: Duplication.
Coding change: c.298dup on transcript NM_016648.4 (MANE Select); coding-DNA position 298, one base duplicated (G; older notation c.298dupG).
Protein change: p.Val100fs; shifts the reading frame from valine 100.
Molecular consequence: frameshift variant.
Genome position (GRCh38, 1-based): chr4:112,646,446, G duplicated. VCF-style (leftmost placement, unchanged base first): chr4-112646445-T-TG. GRCh37 (hg19) VCF-style: chr4-113567601-T-TG.
Other names: c.298dupG (NM_016648.3); c.298dup, p.Val100fs (NM_001267039.4, NM_001370974.1, NM_001370975.1 and 6 more transcripts); c.61dup, p.Val21fs (NM_001370981.1, NM_001370982.1); short protein forms V100fs, V21fs.
Identifiers: ClinVar variation 426686 (VCV000426686.3), dbSNP rs1085307744, ClinGen allele CA645294034.
Genomic context (GRCh38, chr4:112,646,445, plus strand): 5'-AATGAAAAAATTGACTACTGATGGGAAGTTAATTGCCAGAGCATTGAGAAGTTCAGCTGT[T>TG]GTAGAGGTAAGAATCAAGAATAACTACTGTTTATATTTATAGTTTATAATTATAAAGAAT-3'

ClinVar aggregate classification (germline): Pathogenic (1 of 4 stars; one submission).

Allele frequency attached by ClinVar (database versions not stated): gnomAD exomes below 0.00001.

Submission:

GeneDx
Classification: Pathogenic. Last evaluated: 2017-04-07. Review status: criteria provided, single submitter. Criteria: GeneDx Variant Classification (06012015). Collection method: clinical testing. Allele origin: germline. Affected: yes.
Comment: The c.298dupG variant in the LARP7 gene has not been reported previously as a pathogenic variant nor as a benign variant, to our knowledge. The c.298dupG variant causes a frameshift starting with codon Valine 100, changes this amino acid to a Glycine residue, and creates a premature Stop codon at position 4 of the new reading frame, denoted p.Val100GlyfsX4. This variant is predicted to cause loss of normal protein function either through protein truncation or nonsense-mediated mRNA decay. The c.298dupG variant is not observed in large population cohorts (Lek et al., 2016; 1000 Genomes Consortium et al., 2015; Exome Variant Server). We interpret c.298dupG as a pathogenic variant.